The following is an entry in ClinVar:

NM_001126108.2(SLC12A3):c.2522-2del

Gene: SLC12A3 (solute carrier family 12 member 3; plus strand). Cytogenetic location: 16q13.
Variant type: Deletion.
Coding change: c.2522-2del on transcript NM_001126108.2 (MANE Select); the canonical splice acceptor site of the intron before coding-DNA position 2522, one base deleted (A; older notation c.2522-2delA).
Molecular consequence: splice acceptor variant.
Genome position (GRCh38, 1-based): chr16:56,894,529, A deleted. VCF-style (leftmost placement, unchanged base first): chr16-56894528-CA-C. GRCh37 (hg19) VCF-style: chr16-56928440-CA-C.
Other names: c.2549-2del (NM_000339.3); c.2546-2del (NM_001126107.2); c.2519-2del (NM_001410896.1).
Identifiers: ClinVar variation 1487777 (VCV001487777.6), dbSNP rs2144748104, ClinGen allele CA2573152456.

ClinVar aggregate classification (germline): Likely pathogenic (1 of 4 stars; one submission).

Submission:

Labcorp Genetics (formerly Invitae), Labcorp
Classification: Likely pathogenic. Last evaluated: 2021-09-29. Review status: criteria provided, single submitter. Criteria: Invitae Variant Classification Sherloc (09022015). Collection method: clinical testing. Allele origin: germline.
Comment: This variant is not present in population databases (ExAC no frequency). In summary, the currently available evidence indicates that the variant is pathogenic, but additional data are needed to prove that conclusively. Therefore, this variant has been classified as Likely Pathogenic. Algorithms developed to predict the effect of sequence changes on RNA splicing suggest that this variant may disrupt the consensus splice site. This variant has not been reported in the literature in individuals affected with SLC12A3-related conditions. This sequence change affects an acceptor splice site in intron 21 of the SLC12A3 gene. It is expected to disrupt RNA splicing. Variants that disrupt the donor or acceptor splice site typically lead to a loss of protein function (PMID: 16199547), and loss-of-function variants in SLC12A3 are known to be pathogenic (PMID: 20848653, 22009145, 25841442).

Literature cited by the submitters: PubMed 16199547; PubMed 20848653; PubMed 22009145; PubMed 25841442.